The following is an entry in ClinVar:

NM_000969.5(RPL5):c.83del (p.Thr28fs)

Genes: DIPK1A (divergent protein kinase domain 1A; minus strand), RPL5 (ribosomal protein L5; plus strand). Cytogenetic location: 1p22.1.
Variant type: Deletion.
Coding change: c.83del on transcript NM_000969.5 (MANE Select); coding-DNA position 83, one base deleted (C; older notation c.83delC).
Protein change: p.Thr28fs; shifts the reading frame from threonine 28.
Molecular consequence: frameshift variant. On other transcripts: non-coding transcript variant (1), intron variant (1).
Genome position (GRCh38, 1-based): chr1:92,833,554, C deleted. VCF-style (leftmost placement, unchanged base first): chr1-92833553-AC-A. GRCh37 (hg19) VCF-style: chr1-93299110-AC-A.
Other names: c.475-520del (NM_001252273.2); short protein forms T28fs.
Identifiers: ClinVar variation 1763241 (VCV001763241.2), dbSNP rs2524448276, ClinGen allele CA2580063316.

ClinVar aggregate classification (germline): Pathogenic (1 of 4 stars; one submission).

Conditions:
Diamond-Blackfan anemia. Also called: Aase syndrome; Blackfan Diamond syndrome; Aregenerative anemia chronic congenital; Red cell aplasia, pure hereditary; Congenital hypoplastic anemia. Identifiers: Orphanet 124, MedGen C1260899, MeSH D029503, MONDO:0015253, HP:0004810.

Submission:

Ambry Genetics
Classification: Pathogenic for Diamond-Blackfan anemia. Last evaluated: 2015-06-30. Review status: criteria provided, single submitter. Criteria: Ambry Variant Classification Scheme 2023. Collection method: clinical testing. Allele origin: germline.
Comment: The c.83delC pathogenic mutation, located in coding exon 3 of the RPL5 gene, results from a deletion of one nucleotide at nucleotide position 83, causing a translational frameshift with a predicted alternate stop codon (p.T28Mfs*10). Since frameshifts are typically deleterious in nature, this alteration is interpreted as a disease-causing mutation (ACMG Recommendations for Standards for Interpretation and Reporting of Sequence Variations. Revision 2007. Genet Med. 2008;10:294).